The following is an entry in ClinVar:

ClinVar aggregate classification (germline): Uncertain significance (1 of 4 stars; one submission).

Allele frequency attached by ClinVar (database versions not stated): TOPMed below 0.00001; gnomAD exomes 0.00001 and 0.00002.
gnomAD v4.1: 14 of 1,614,118 alleles (0.00087%); highest among the groups gnomAD compares: Non-Finnish European, 0.0011%; no homozygotes.

Submission:

Labcorp Genetics (formerly Invitae), Labcorp
Classification: Uncertain significance. Last evaluated: 2025-01-20. Review status: criteria provided, single submitter. Criteria: Invitae Variant Classification Sherloc (09022015). Collection method: clinical testing. Allele origin: germline.
Comment: This sequence change falls in intron 13 of the ACY1 gene. It does not directly change the encoded amino acid sequence of the ACY1 protein. It affects a nucleotide within the consensus splice site. This variant is present in population databases (no rsID available, gnomAD 0.002%). This variant has not been reported in the literature in individuals affected with ACY1-related conditions. ClinVar contains an entry for this variant (Variation ID: 1383425). Variants that disrupt the consensus splice site are a relatively common cause of aberrant splicing (PMID: 17576681, 9536098). Algorithms developed to predict the effect of sequence changes on RNA splicing suggest that this variant may disrupt the consensus splice site. In summary, the available evidence is currently insufficient to determine the role of this variant in disease. Therefore, it has been classified as a Variant of Uncertain Significance.

Literature cited by the submitters: PubMed 17576681; PubMed 9536098.

NM_000666.3(ACY1):c.1001+6C>G

Genes: ABHD14A-ACY1 (ABHD14A-ACY1 readthrough; plus strand), ACY1 (aminoacylase 1; plus strand). Cytogenetic location: 3p21.2.
Variant type: single nucleotide variant.
Coding change: c.1001+6C>G on transcript NM_000666.3 (MANE Select); 6 bases into the intron after coding-DNA position 1001, C replaced by G.
Molecular consequence: intron variant.
Genome position (GRCh38, 1-based): chr3:51,988,609, C>G. VCF-style: chr3-51988609-C-G. GRCh37 (hg19) VCF-style: chr3-52022625-C-G.
Other names: c.1271+6C>G (NM_001316331.2); c.806+6C>G (NM_001198897.2); c.785+6C>G (NM_001198896.2); c.896+6C>G (NM_001198898.2); c.1001+6C>G (NM_001198895.2).
Identifiers: ClinVar variation 1383425 (VCV001383425.5), dbSNP rs1028748743, ClinGen allele CA74719588.